The following is an entry in ClinVar:

NM_001378454.1(ALMS1):c.2260A>T (p.Thr754Ser)

Gene: ALMS1 (ALMS1 centrosome and basal body associated protein; plus strand). Cytogenetic location: 2p13.1.
Variant type: single nucleotide variant.
Coding change: c.2260A>T on transcript NM_001378454.1 (MANE Select); coding-DNA position 2260, A replaced by T.
Protein change: p.Thr754Ser; replaces threonine 754 with serine.
Molecular consequence: missense variant.
Genome position (GRCh38, 1-based): chr2:73,448,787, A>T. VCF-style: chr2-73448787-A-T. GRCh37 (hg19) VCF-style: chr2-73675914-A-T.
Other names: c.2263A>T, p.Thr755Ser (NM_015120.4); short protein forms T754S, T755S.
Identifiers: ClinVar variation 1449873 (VCV001449873.3), dbSNP rs781628262, ClinGen allele CA347267429.

ClinVar aggregate classification (germline): Uncertain significance (1 of 4 stars; one submission).

Conditions:
Alstrom syndrome (ALMS). Identifiers: Orphanet 64, MedGen C0268425, MONDO:0008763, OMIM 203800.

Submission:

Labcorp Genetics (formerly Invitae), Labcorp
Classification: Uncertain significance for Alstrom syndrome. Last evaluated: 2021-04-22. Review status: criteria provided, single submitter. Criteria: Invitae Variant Classification Sherloc (09022015). Collection method: clinical testing. Allele origin: germline.
Comment: This sequence change replaces threonine with serine at codon 755 of the ALMS1 protein (p.Thr755Ser). The threonine residue is weakly conserved and there is a small physicochemical difference between threonine and serine. This variant is not present in population databases (ExAC no frequency). This variant has not been reported in the literature in individuals with ALMS1-related conditions. Experimental studies and prediction algorithms are not available or were not evaluated, and the functional significance of this variant is currently unknown. In summary, the available evidence is currently insufficient to determine the role of this variant in disease. Therefore, it has been classified as a Variant of Uncertain Significance.